The following is an entry in ClinVar:

NM_001308093.3(GATA4):c.992C>G (p.Thr331Arg)

Gene: GATA4 (GATA binding protein 4). Cytogenetic location: 8p23.1.
Variant type: single nucleotide variant.
Coding change: c.992C>G on transcript NM_001308093.3 (MANE Select); coding-DNA position 992, C replaced by G.
Protein change: p.Thr331Arg; replaces threonine 331 with arginine.
Molecular consequence: missense variant.
Genome position (GRCh38, 1-based): chr8:11,755,125, C>G. VCF-style: chr8-11755125-C-G. GRCh37 (hg19) VCF-style: chr8-11612634-C-G.
Other names: c.371C>G, p.Thr124Arg (NM_001308094.2, NM_001374273.1); c.245C>G, p.Thr82Arg (NM_001374274.1); c.989C>G, p.Thr330Arg (NM_002052.5); short protein forms T330R, T331R, T124R, T82R.
Identifiers: ClinVar variation 574341 (VCV000574341.8), dbSNP rs1563231799, ClinGen allele CA370314574.

ClinVar aggregate classification (germline): Uncertain significance (1 of 4 stars; one submission).

Conditions:
Atrioventricular septal defect 4 (AVSD4). Identifiers: MedGen C3280781, MONDO:0013747, OMIM 614430.

Allele frequency attached by ClinVar (database versions not stated): gnomAD exomes 0.00001.
gnomAD v4.1: 3 of 1,612,792 alleles (0.00019%); highest among the groups gnomAD compares: East Asian, 0.0067%; no homozygotes.

Submission:

Labcorp Genetics (formerly Invitae), Labcorp
Classification: Uncertain significance for Atrioventricular septal defect 4. Last evaluated: 2023-10-11. Review status: criteria provided, single submitter. Criteria: Invitae Variant Classification Sherloc (09022015). Collection method: clinical testing. Allele origin: germline.
Comment: This sequence change replaces threonine, which is neutral and polar, with arginine, which is basic and polar, at codon 330 of the GATA4 protein (p.Thr330Arg). This variant is not present in population databases (gnomAD no frequency). This missense change has been observed in individual(s) with persistent truncus arteriosus (PMID: 22498567). ClinVar contains an entry for this variant (Variation ID: 574341). Advanced modeling of protein sequence and biophysical properties (such as structural, functional, and spatial information, amino acid conservation, physicochemical variation, residue mobility, and thermodynamic stability) performed at Invitae indicates that this missense variant is not expected to disrupt GATA4 protein function. Experimental studies have shown that this missense change does not substantially affect GATA4 function (PMID: 22498567). In summary, the available evidence is currently insufficient to determine the role of this variant in disease. Therefore, it has been classified as a Variant of Uncertain Significance.

Literature cited by the submitters: PubMed 22498567.